The following is an entry in ClinVar:

ClinVar aggregate classification (germline): Uncertain significance. Review status: criteria provided, multiple submitters, no conflicts (2 of 4 stars). 2 submissions from 2 submitters: Uncertain significance (2). Last evaluated 2025-05-02.

Conditions:
Mowat-Wilson syndrome (MOWS). Also called: Classic Mowat-Wilson Syndrome. Identifiers: Orphanet 2152, MedGen C1856113, MONDO:0009341, OMIM 235730.

Allele frequency attached by ClinVar (database versions not stated): TOPMed 0.00001.

Submissions (2):

Labcorp Genetics (formerly Invitae), Labcorp
Classification: Uncertain significance for Mowat-Wilson syndrome. Last evaluated: 2025-05-02. Review status: criteria provided, single submitter. Criteria: Invitae Variant Classification Sherloc (09022015). Collection method: clinical testing. Allele origin: germline.
Comment: This sequence change replaces methionine, which is neutral and non-polar, with isoleucine, which is neutral and non-polar, at codon 6 of the ZEB2 protein (p.Met6Ile). This variant is not present in population databases (gnomAD no frequency). This variant has not been reported in the literature in individuals affected with ZEB2-related conditions. ClinVar contains an entry for this variant (Variation ID: 2503199). An algorithm developed to predict the effect of missense changes on protein structure and function (PolyPhen-2) suggests that this variant is likely to be tolerated. In summary, the available evidence is currently insufficient to determine the role of this variant in disease. Therefore, it has been classified as a Variant of Uncertain Significance.

GeneDx
Classification: Uncertain significance. Last evaluated: 2022-11-28. Review status: criteria provided, single submitter. Criteria: GeneDx Variant Classification Process June 2021. Collection method: clinical testing. Allele origin: germline. Affected: yes.
Comment: Not observed at significant frequency in large population cohorts (gnomAD); In silico analysis supports that this missense variant has a deleterious effect on protein structure/function; Has not been previously published as pathogenic or benign to our knowledge

NM_014795.4(ZEB2):c.18G>A (p.Met6Ile)

Gene: ZEB2 (zinc finger E-box binding homeobox 2; minus strand). Cytogenetic location: 2q22.3.
Variant type: single nucleotide variant.
Coding change: c.18G>A on transcript NM_014795.4 (MANE Select); coding-DNA position 18, G replaced by A.
Protein change: p.Met6Ile; replaces methionine 6 with isoleucine.
Molecular consequence: missense variant. On other transcripts: non-coding transcript variant (1).
Genome position (GRCh38, 1-based): chr2:144,517,333, C>T on the plus strand (G>A on the coding strand, the complement: ZEB2 is on the minus strand). VCF-style: chr2-144517333-C-T. GRCh37 (hg19) VCF-style: chr2-145274900-C-T.
Other names: c.18G>A, p.Met6Ile (NM_001171653.2); short protein forms M6I.
Identifiers: ClinVar variation 2503199 (VCV002503199.2), dbSNP rs1705173026, ClinGen allele CA348858416.